The following is an entry in ClinVar:

NM_000219.6(KCNE1):c.22G>C (p.Ala8Pro)

Gene: KCNE1 (potassium voltage-gated channel subfamily E regulatory subunit 1; minus strand). Cytogenetic location: 21q22.12.
Variant type: single nucleotide variant.
Coding change: c.22G>C on transcript NM_000219.6 (MANE Select); coding-DNA position 22, G replaced by C.
Protein change: p.Ala8Pro; replaces alanine 8 with proline.
Molecular consequence: missense variant.
Genome position (GRCh38, 1-based): chr21:34,449,613, C>G on the plus strand (G>C on the coding strand, the complement: KCNE1 is on the minus strand). VCF-style: chr21-34449613-C-G. GRCh37 (hg19) VCF-style: chr21-35821911-C-G.
Other names: c.22G>C, p.Ala8Pro (NM_001127668.4, NM_001127669.4, NM_001127670.4 and 4 more transcripts); short protein forms A8P.
Identifiers: ClinVar variation 3374363 (VCV003374363.2).

Conditions:
Long QT syndrome 5 (LQT5). Identifiers: Orphanet 101016, Orphanet 768, MedGen C1867904, MONDO:0013372, OMIM 613695.

Submission:

Roden Lab, Vanderbilt University Medical Center
No classification provided (evidence only). Condition: Long QT syndrome 5. Review status: no classification provided. Collection method: in vitro. Allele origin: not applicable. Functional consequence: Effect on ion channel function.
ClinVar note: "not provided" was previously submitted as the classification for the variant. However, the classification appeared to be based only on an observation of functional data so it was converted to no classification on 2025-07-30.